The following is an entry in ClinVar:

NM_001034853.2(RPGR):c.2331G>A (p.Lys777=)

Gene: RPGR (retinitis pigmentosa GTPase regulator; minus strand). Cytogenetic location: Xp11.4.
Variant type: single nucleotide variant.
Coding change: c.2331G>A on transcript NM_001034853.2 (MANE Select); coding-DNA position 2331, G replaced by A.
Protein change: p.Lys777=; no amino-acid change (lysine 777 retained).
Molecular consequence: synonymous variant. On other transcripts: intron variant (8).
Genome position (GRCh38, 1-based): chrX:38,286,668, C>T on the plus strand (G>A on the coding strand, the complement: RPGR is on the minus strand). VCF-style: chrX-38286668-C-T. GRCh37 (hg19) VCF-style: chrX-38145921-C-T.
Other names: c.2331G>A (NM_001034853.1); c.1569+4291G>A (NM_001367249.1, NM_001367250.1); c.1902+426G>A (NM_001367245.1); c.1386+4291G>A (NM_001367251.1); c.1719+426G>A (NM_001367246.1); c.1572+4291G>A (NM_001367247.1); c.1905+426G>A (NM_000328.3); c.1602+4291G>A (NM_001367248.1).
Identifiers: ClinVar variation 2144008 (VCV002144008.30), dbSNP rs1032517565, ClinGen allele CA327916082.

ClinVar aggregate classification (germline): Likely benign. Review status: criteria provided, multiple submitters, no conflicts (2 of 4 stars). 4 submissions from 4 submitters: Likely benign (4). Last evaluated 2025-10-15.

Conditions:
RPGR-related disorder. Also called: RPGR-related condition.
Primary ciliary dyskinesia. Also called: Ciliary dyskinesia. Identifiers: Orphanet 244, MedGen C0008780, MONDO:0016575, HP:0012265.

Allele frequency attached by ClinVar (database versions not stated): gnomAD 0.00015; gnomAD exomes 0.00020.
gnomAD v4.1: 214 of 1,135,266 alleles (0.019%); highest among the groups gnomAD compares: Non-Finnish European, 0.023%; no homozygotes.

Submissions (4):

Labcorp Genetics (formerly Invitae), Labcorp
Classification: Likely benign for Primary ciliary dyskinesia. Last evaluated: 2025-10-15. Review status: criteria provided, single submitter. Criteria: Invitae Variant Classification Sherloc (09022015). Collection method: clinical testing. Allele origin: germline.

PreventionGenetics, part of Exact Sciences
Classification: Likely benign for RPGR-related condition. Last evaluated: 2025-03-22. Review status: criteria provided, single submitter. Criteria: ACMG Guidelines, 2015. Collection method: clinical testing. Allele origin: germline.
Comment: This variant is classified as likely benign based on ACMG/AMP sequence variant interpretation guidelines (Richards et al. 2015 PMID: 25741868, with internal and published modifications).

Blueprint Genetics
Classification: Likely benign. Last evaluated: 2023-06-21. Review status: criteria provided, single submitter. Criteria: ACMG Guidelines, 2015. Collection method: clinical testing. Allele origin: germline.

CeGaT Center for Human Genetics Tuebingen
Classification: Likely benign. Last evaluated: 2023-03-01. Review status: criteria provided, single submitter. Criteria: CeGaT Center For Human Genetics Tuebingen Variant Classification Criteria Version 2. Collection method: clinical testing. Allele origin: germline. Affected: yes. Observed: 1 variant allele.
Comment: RPGR: BP4, BP7, BS2